The following is an entry in ClinVar:

ClinVar aggregate classification (germline): Uncertain significance (1 of 4 stars; one submission).

Submission:

Greenwood Genetic Center Diagnostic Laboratories, Greenwood Genetic Center
Classification: Uncertain significance. Last evaluated: 2025-12-02. Review status: criteria provided, single submitter. Criteria: ACMG Guidelines, 2015. Collection method: clinical testing. Allele origin: germline. Affected: yes.
Comment: PM2

NM_001386298.1(CIC):c.1637C>T (p.Pro546Leu)

Gene: CIC (capicua transcriptional repressor; plus strand). Cytogenetic location: 19q13.2.
Variant type: single nucleotide variant.
Coding change: c.1637C>T on transcript NM_001386298.1 (MANE Select); coding-DNA position 1637, C replaced by T.
Protein change: p.Pro546Leu; replaces proline 546 with leucine.
Molecular consequence: missense variant. On other transcripts: genic upstream transcript variant (1).
Genome position (GRCh38, 1-based): chr19:42,273,420, C>T. VCF-style: chr19-42273420-C-T. GRCh37 (hg19) VCF-style: chr19-42777572-C-T.
Other names: c.-236-11049C>T (NM_015125.5); c.1637C>T, p.Pro546Leu (NM_001304815.2, NM_001379480.1, NM_001379482.1 and 6 more transcripts); short protein forms P546L.
Identifiers: ClinVar variation 4845502 (VCV004845502.1).